The following is an entry in ClinVar:

ClinVar aggregate classification (germline): Uncertain significance (1 of 4 stars; one submission).

Submission:

CeGaT Center for Human Genetics Tuebingen
Classification: Uncertain significance. Last evaluated: 2022-03-01. Review status: criteria provided, single submitter. Criteria: CeGaT Center For Human Genetics Tuebingen Variant Classification Criteria Version 2. Collection method: clinical testing. Allele origin: germline. Affected: yes. Observed: 1 variant allele.
Comment: NOTCH2: PM2, BP4

NM_024408.4(NOTCH2):c.751+6G>C

Gene: NOTCH2 (notch receptor 2; minus strand). Cytogenetic location: 1p12.
Variant type: single nucleotide variant.
Coding change: c.751+6G>C on transcript NM_024408.4 (MANE Select); 6 bases into the intron after coding-DNA position 751, G replaced by C.
Molecular consequence: intron variant.
Genome position (GRCh38, 1-based): chr1:119,996,991, C>G on the plus strand (G>C on the coding strand, the complement: NOTCH2 is on the minus strand). VCF-style: chr1-119996991-C-G. GRCh37 (hg19) VCF-style: chr1-120539614-C-G.
Other names: c.751+6G>C (NM_001200001.2).
Identifiers: ClinVar variation 2639049 (VCV002639049.24), dbSNP rs2101210410, ClinGen allele CA2695199871.